The following is an entry in ClinVar:

ClinVar aggregate classification (germline): Uncertain significance (1 of 4 stars; one submission).

Allele frequency attached by ClinVar (database versions not stated): gnomAD exomes below 0.00001.
gnomAD v4.1: 2 of 1,614,142 alleles (0.00012%); highest among the groups gnomAD compares: African/African-American, 0.0013%; no homozygotes.

Submission:

GeneDx
Classification: Uncertain significance. Last evaluated: 2019-04-04. Review status: criteria provided, single submitter. Criteria: GeneDx Variant Classification Process June 2021. Collection method: clinical testing. Allele origin: germline. Affected: yes.
Comment: Not observed in large population cohorts (Lek et al., 2016); In silico analysis, which includes protein predictors and evolutionary conservation, supports that this variant does not alter protein structure/function; Has not been previously published as pathogenic or benign to our knowledge

NM_002180.3(IGHMBP2):c.1660C>T (p.His554Tyr)

Gene: IGHMBP2 (immunoglobulin mu DNA binding protein 2; plus strand). Cytogenetic location: 11q13.3.
Variant type: single nucleotide variant.
Coding change: c.1660C>T on transcript NM_002180.3 (MANE Select); coding-DNA position 1660, C replaced by T.
Protein change: p.His554Tyr; replaces histidine 554 with tyrosine.
Molecular consequence: missense variant.
Genome position (GRCh38, 1-based): chr11:68,935,326, C>T. VCF-style: chr11-68935326-C-T. GRCh37 (hg19) VCF-style: chr11-68702794-C-T.
Other names: short protein forms H554Y.
Identifiers: ClinVar variation 1304584 (VCV001304584.2), dbSNP rs1859481722, ClinGen allele CA381651066.
Genomic context (GRCh38, chr11:68,935,326, plus strand): 5'-GGTGAGGAAACCACAGCCCGGCTGGTGTTTCAGGTGGACCTGCTCAGACAGAGCCTTGTG[C>T]ACAGGCACCCTGAGCTTGAAATCAAGTCTGTCGATGGCTTCCAAGGCCGAGAGAAGGAGG-3'
Protein context (NP_002171.2, residues 544-564): QVDLLRQSLV[His554Tyr]RHPELEIKSV